The following is an entry in ClinVar:

NM_000368.5(TSC1):c.2444A>G (p.Lys815Arg)

Gene: TSC1 (TSC complex subunit 1; minus strand). Cytogenetic location: 9q34.13.
Variant type: single nucleotide variant.
Coding change: c.2444A>G on transcript NM_000368.5 (MANE Select); coding-DNA position 2444, A replaced by G.
Protein change: p.Lys815Arg; replaces lysine 815 with arginine.
Molecular consequence: missense variant. On other transcripts: non-coding transcript variant (5).
Genome position (GRCh38, 1-based): chr9:132,901,647, T>C on the plus strand (A>G on the coding strand, the complement: TSC1 is on the minus strand). VCF-style: chr9-132901647-T-C. GRCh37 (hg19) VCF-style: chr9-135777034-T-C.
Other names: c.2441A>G, p.Lys814Arg (NM_001406598.1, NM_001406599.1, NM_001406600.1 and 4 more transcripts); c.2429A>G, p.Lys810Arg (NM_001406601.1, NM_001406602.1); c.2426A>G, p.Lys809Arg (NM_001406603.1, NM_001406604.1); c.2444A>G, p.Lys815Arg (NM_001406605.1, NM_001406606.1, NM_001406607.1 and 5 more transcripts); c.1493A>G, p.Lys498Arg (NM_001406626.1); c.1490A>G, p.Lys497Arg (NM_001406627.1, NM_001406628.1); c.1391A>G, p.Lys464Arg (NM_001406629.1, NM_001406630.1); c.2081A>G, p.Lys694Arg (NM_001406619.1, NM_001406624.1, NM_001362177.2 and 5 more transcripts); and 3 more; short protein forms K464R, K814R, K810R, K497R, K498R, K693R, K809R, K815R.
Identifiers: ClinVar variation 5031210 (VCV005031210.1).

ClinVar aggregate classification (germline): Uncertain significance (1 of 4 stars; one submission).

Conditions:
Hereditary cancer-predisposing syndrome. Also called: Neoplastic Syndromes, Hereditary; Tumor predisposition; Hereditary neoplastic syndrome; Hereditary Cancer Syndrome. Identifiers: Orphanet 140162, MedGen C0027672, MeSH D009386, MONDO:0015356.

Submission:

Ambry Genetics
Classification: Uncertain significance for Hereditary cancer-predisposing syndrome. Last evaluated: 2026-07-02. Review status: criteria provided, single submitter. Criteria: Ambry Variant Classification Scheme 2023. Collection method: clinical testing. Allele origin: germline.
Comment: The p.K815R variant (also known as c.2444A>G), located in coding exon 17 of the TSC1 gene, results from an A to G substitution at nucleotide position 2444. The lysine at codon 815 is replaced by arginine, an amino acid with highly similar properties. This amino acid position is conserved. In addition, this alteration is predicted to be tolerated by in silico analysis. Based on the available evidence, the clinical significance of this variant remains unclear.